The following is an entry in ClinVar:

NM_002693.3(POLG):c.1943C>G (p.Pro648Arg)

Gene: POLG (DNA polymerase gamma, catalytic subunit; minus strand). Cytogenetic location: 15q26.1.
Variant type: single nucleotide variant.
Coding change: c.1943C>G on transcript NM_002693.3 (MANE Select); coding-DNA position 1943, C replaced by G.
Protein change: p.Pro648Arg; replaces proline 648 with arginine.
Molecular consequence: missense variant.
Genome position (GRCh38, 1-based): chr15:89,325,456, G>C on the plus strand (C>G on the coding strand, the complement: POLG is on the minus strand). VCF-style: chr15-89325456-G-C. GRCh37 (hg19) VCF-style: chr15-89868687-G-C.
Other names: p.P648R:CCC>CGC; c.1943C>G, p.Pro648Arg (NM_001126131.2); short protein forms P648R.
Identifiers: ClinVar variation 206606 (VCV000206606.14), dbSNP rs796052906, ClinGen allele CA316854.

ClinVar aggregate classification (germline): Pathogenic/Likely pathogenic. Review status: criteria provided, multiple submitters, no conflicts (2 of 4 stars). 6 submissions from 6 submitters: Pathogenic (4); Likely pathogenic (2). Last evaluated 2025-11-28.

Conditions:
Progressive external ophthalmoplegia with mitochondrial DNA deletions, autosomal dominant 1 (PEOA1). Also called: PROGRESSIVE EXTERNAL OPHTHALMOPLEGIA, AUTOSOMAL DOMINANT 1; Autosomal Dominant Progressive External Ophthalmoplegia (adPEO). Identifiers: MedGen C1834846, MONDO:0024528, OMIM 157640.
Progressive external ophthalmoplegia with mitochondrial DNA deletions, autosomal recessive 1 (PEOB1). Also called: Autosomal Recessive Progressive External Ophthalmoplegia (arPEO); Progressive external ophthalmoplegia, autosomal recessive 1. Identifiers: Orphanet 254886, MedGen C4225153, MONDO:0009783, OMIM 258450.
Progressive sclerosing poliodystrophy (MTDPS4A). Also called: ALPERS DIFFUSE DEGENERATION OF CEREBRAL GRAY MATTER WITH HEPATIC CIRRHOSIS; Alpers-Huttenlocher Syndrome; ALPERS PROGRESSIVE INFANTILE POLIODYSTROPHY; NEURONAL DEGENERATION OF CHILDHOOD WITH LIVER DISEASE, PROGRESSIVE; Mitochondrial DNA Depletion Syndrome 4A; Alpers-Huttenlocher Syndrome (AHS). Identifiers: Orphanet 726, MedGen C0205710, MONDO:0008758, OMIM 203700.
Sensory ataxic neuropathy, dysarthria, and ophthalmoparesis (SANDO). Also called: SENSORY ATAXIC NEUROPATHY WITH MITOCHONDRIAL DNA DELETIONS, AUTOSOMAL RECESSIVE; Epilepsy, progressive myoclonic, type 5; Sensory ataxic neuropathy-dysarthria-ophthalmoparesis syndrome; Ataxia Neuropathy Spectrum (ANS). Identifiers: Orphanet 70595, MedGen C1843851, MONDO:0011835, OMIM 607459.
Mitochondrial DNA depletion syndrome 4b. Also called: MNGIE, POLG-RELATED; Mitochondrial Neurogastrointestinal Encephalopathy Disease, POLG-Related. Identifiers: Orphanet 298, MedGen C3150914, MONDO:0013350, OMIM 613662.

Allele frequency attached by ClinVar (database versions not stated): gnomAD 0.00001; gnomAD exomes 0.00001; TOPMed 0.00001.
gnomAD v4.1: 16 of 1,600,416 alleles (0.001%); highest among the groups gnomAD compares: Admixed American, 0.0033%; no homozygotes.

Submissions (6):

Labcorp Genetics (formerly Invitae), Labcorp
Classification: Pathogenic for Progressive sclerosing poliodystrophy. Last evaluated: 2025-11-28. Review status: criteria provided, single submitter. Criteria: Invitae Variant Classification Sherloc (09022015). Collection method: clinical testing. Allele origin: germline.
Comment: This sequence change replaces proline, which is neutral and non-polar, with arginine, which is basic and polar, at codon 648 of the POLG protein (p.Pro648Arg). This variant is present in population databases (rs796052906, gnomAD 0.003%). This missense change has been observed in individuals with autosomal recessive progressive external ophthalmoplegia (PEO) and/or sensory ataxia, neuropathy, dysarthria, and ophthalmoparesis (SANDO) syndrome (PMID: 16621917, 21550804). ClinVar contains an entry for this variant (Variation ID: 206606). Invitae Evidence Modeling of protein sequence and biophysical properties (such as structural, functional, and spatial information, amino acid conservation, physicochemical variation, residue mobility, and thermodynamic stability) indicates that this missense variant is expected to disrupt POLG protein function with a positive predictive value of 95%. For these reasons, this variant has been classified as Pathogenic.

Fulgent Genetics
Classification: Likely pathogenic for Progressive external ophthalmoplegia with mitochondrial DNA deletions, autosomal dominant 1; Progressive sclerosing poliodystrophy; Progressive external ophthalmoplegia with mitochondrial DNA deletions, autosomal recessive 1; Sensory ataxic neuropathy, dysarthria, and ophthalmoparesis; Mitochondrial DNA depletion syndrome 4b. Last evaluated: 2024-03-16. Review status: criteria provided, single submitter. Criteria: ACMG Guidelines, 2015. Collection method: clinical testing. Allele origin: germline.

GeneDx
Classification: Pathogenic. Last evaluated: 2023-04-25. Review status: criteria provided, single submitter. Criteria: GeneDx Variant Classification Process June 2021. Collection method: clinical testing. Allele origin: germline. Affected: yes.
Comment: Not observed at a significant frequency in large population cohorts (gnomAD); In silico analysis supports that this missense variant has a deleterious effect on protein structure/function; This variant is associated with the following publications: (PMID: 21550804, 29358615, 32488467, 16919951, 25203713, 28130605, 16621917)

Baylor Genetics
Classification: Pathogenic for Progressive sclerosing poliodystrophy. Last evaluated: 2022-07-09. Review status: criteria provided, single submitter. Criteria: ACMG Guidelines, 2015. Collection method: clinical testing. Allele origin: unknown.

MGZ Medical Genetics Center
Classification: Likely pathogenic for Progressive external ophthalmoplegia with mitochondrial DNA deletions, autosomal recessive 1. Last evaluated: 2021-12-29. Review status: criteria provided, single submitter. Criteria: ACMG Guidelines, 2015. Collection method: clinical testing. Allele origin: germline. Affected: yes. Observed: 4 variant alleles.
Comment: ACMG criteria applied: PS4, PM3, PM2_SUP, PP3

Wong Mito Lab, Molecular and Human Genetics, Baylor College of Medicine
Classification: Pathogenic for Progressive sclerosing poliodystrophy. Last evaluated: 2018-10-01. Review status: criteria provided, single submitter. Criteria: ACMG Guidelines, 2015. Collection method: clinical testing. Allele origin: germline.
Comment: The NM_002693.2:c.1943C>G (NP_002684.1:p.Pro648Arg) [GRCH38: NC_000015.10:g.89325456G>C] variant in POLG gene is interpretated to be a Pathogenic based on ACMG guidelines (PMID: 25741868). This variant has been reported in PMID:21550804 . This variant meets the following evidence codes reported in the ACMG-guideline. PS1:This variation causes same amino-acid change as an established pathogenic variant. PS4:Prevalence of variant in affecteds statistically increased over controls. PM2:This variant is absent in key population databases. PM3:Detected in trans with a pathogenic variant for Mitochondrial DNA depletion syndrome 4A (Alpers type) which is a recessive disorder. PP1:This variant is co-segregated with Mitochondrial DNA depletion syndrome 4A (Alpers type) in multiple affected family members. PP2:This is a missense variant in POLG with a low rate of benign and high rate of pathogenic missense variations. PP4:Patient's phenotype or family history is highly specific for POLG. Based on the evidence criteria codes applied, the variant is suggested to be Pathogenic.

Literature cited by the submitters: PubMed 16621917 (cited by Labcorp Genetics (formerly Invitae), Labcorp); PubMed 21550804 (cited by Labcorp Genetics (formerly Invitae), Labcorp and Wong Mito Lab, Molecular and Human Genetics, Baylor College of Medicine).